The following is an entry in ClinVar:

ClinVar aggregate classification (germline): Uncertain significance (1 of 4 stars; one submission).

Allele frequency attached by ClinVar (database versions not stated): gnomAD exomes below 0.00001; ExAC 0.00001.

Submission:

Labcorp Genetics (formerly Invitae), Labcorp
Classification: Uncertain significance. Last evaluated: 2024-11-11. Review status: criteria provided, single submitter. Criteria: Invitae Variant Classification Sherloc (09022015). Collection method: clinical testing. Allele origin: germline.
Comment: This sequence change replaces glutamic acid, which is acidic and polar, with glycine, which is neutral and non-polar, at codon 1032 of the TTLL5 protein (p.Glu1032Gly). This variant is not present in population databases (gnomAD no frequency). This variant has not been reported in the literature in individuals affected with TTLL5-related conditions. ClinVar contains an entry for this variant (Variation ID: 1368533). Invitae Evidence Modeling of protein sequence and biophysical properties (such as structural, functional, and spatial information, amino acid conservation, physicochemical variation, residue mobility, and thermodynamic stability) indicates that this missense variant is not expected to disrupt TTLL5 protein function with a negative predictive value of 80%. In summary, the available evidence is currently insufficient to determine the role of this variant in disease. Therefore, it has been classified as a Variant of Uncertain Significance.

NM_015072.5(TTLL5):c.3095A>G (p.Glu1032Gly)

Gene: TTLL5 (tubulin tyrosine ligase like 5; plus strand). Cytogenetic location: 14q24.3.
Variant type: single nucleotide variant.
Coding change: c.3095A>G on transcript NM_015072.5 (MANE Select); coding-DNA position 3095, A replaced by G.
Protein change: p.Glu1032Gly; replaces glutamic acid 1032 with glycine.
Molecular consequence: missense variant.
Genome position (GRCh38, 1-based): chr14:75,793,024, A>G. VCF-style: chr14-75793024-A-G. GRCh37 (hg19) VCF-style: chr14-76259367-A-G.
Other names: short protein forms E1032G.
Identifiers: ClinVar variation 1368533 (VCV001368533.8), dbSNP rs775951384, ClinGen allele CA7279889.
Genomic context (GRCh38, chr14:75,793,024, plus strand): 5'-AAGAGGGAGAAGATGCTTCTTTATATAGCAAACGGTACAACCAAAGTATGGTTACAGCTG[A>G]ACTTCAGCGGCTAGCTGAGAAGCAGGCAGCGAGACAGTATTCTCCATCCAGCCACATCAA-3'
Protein context (NP_055887.3, residues 1022-1042): KRYNQSMVTA[Glu1032Gly]LQRLAEKQAA